The following is an entry in ClinVar:

ClinVar aggregate classification (germline): Uncertain significance. Review status: criteria provided, multiple submitters, no conflicts (2 of 4 stars). 2 submissions from 2 submitters: Uncertain significance (2). Last evaluated 2025-01-20.

Conditions:
Hyper-IgE recurrent infection syndrome 4, autosomal recessive. Also called: HYPER-IgE RECURRENT INFECTION SYNDROME 4B, AUTOSOMAL RECESSIVE; HYPER-IgE SYNDROME 4B, AUTOSOMAL RECESSIVE, WITH RECURRENT INFECTIONS. Identifiers: MedGen C5193141, MONDO:0032796, OMIM 618523.
Stuve-Wiedemann syndrome 2. Also called: Stüve-Wiedemann syndrome 2. Identifiers: MedGen C5676919, MONDO:0030756, OMIM 619751.
Hyper-IgE recurrent infection syndrome 4A, autosomal dominant (HIES4A). Also called: HYPER-IgE SYNDROME 4A, AUTOSOMAL DOMINANT, WITH RECURRENT INFECTIONS. Identifiers: MedGen C5676920, MONDO:0800131, OMIM 619752.

gnomAD v4.1: 29 of 1,613,646 alleles (0.0018%); highest among the groups gnomAD compares: Non-Finnish European, 0.0023%; no homozygotes.

Submissions (2):

Ambry Genetics
Classification: Uncertain significance. Last evaluated: 2025-01-20. Review status: criteria provided, single submitter. Criteria: Ambry Variant Classification Scheme 2023. Collection method: clinical testing. Allele origin: germline.

Clinical Genomics Laboratory, Washington University in St. Louis
Classification: Uncertain significance for Hyper-IgE recurrent infection syndrome 4A, autosomal dominant; Stuve-Wiedemann syndrome 2; Hyper-IgE recurrent infection syndrome 4, autosomal recessive. Last evaluated: 2024-01-05. Review status: criteria provided, single submitter. Criteria: ACMG Guidelines, 2015. Collection method: clinical testing. Allele origin: germline.
Comment: The IL6ST c.2728G>C (p.Val910Leu) variant, to our knowledge, has not been reported in the medical literature. The highest population minor allele frequency in the population database genome aggregation database (v.2.1.1) is 0.003% in the European non-Finnish population. Computational predictors suggest that the variant does not impact IL6ST function. Due to limited information, and based on ACMG/AMP guidelines for variant interpretation (Richards S et al., PMID: 25741868), the clinical significance of this variant is uncertain at this time.

NM_002184.4(IL6ST):c.2728G>C (p.Val910Leu)

Gene: IL6ST (interleukin 6 cytokine family signal transducer; minus strand). Cytogenetic location: 5q11.2.
Variant type: single nucleotide variant.
Coding change: c.2728G>C on transcript NM_002184.4 (MANE Select); coding-DNA position 2728, G replaced by C.
Protein change: p.Val910Leu; replaces valine 910 with leucine.
Molecular consequence: missense variant. On other transcripts: 3 prime UTR variant (1), non-coding transcript variant (2).
Genome position (GRCh38, 1-based): chr5:55,941,111, C>G on the plus strand (G>C on the coding strand, the complement: IL6ST is on the minus strand). VCF-style: chr5-55941111-C-G. GRCh37 (hg19) VCF-style: chr5-55236939-C-G.
Other names: c.2545G>C, p.Val849Leu (NM_001190981.2); c.2626G>C, p.Val876Leu (NM_001364275.2); c.2518G>C, p.Val840Leu (NM_001364276.2); c.1861G>C, p.Val621Leu (NM_001364277.2); c.1825G>C, p.Val609Leu (NM_001364278.2); c.1732G>C, p.Val578Leu (NM_001364279.2); c.*1655G>C (NM_175767.3); c.2728G>C (NM_002184.3); short protein forms V578L, V609L, V621L, V840L, V849L, V876L, V910L.
Identifiers: ClinVar variation 3602583 (VCV003602583.2).